The following is an entry in ClinVar:

ClinVar aggregate classification (germline): Likely benign. Review status: criteria provided, multiple submitters, no conflicts (2 of 4 stars). 2 submissions from 2 submitters: Likely benign (2). Last evaluated 2018-06-16.

Allele frequency attached by ClinVar (database versions not stated): TOPMed 0.03139; gnomAD 0.03510; 1000 Genomes Project 30x 0.03529; 1000 Genomes Project 0.03574.
gnomAD v4.1: 55,626 of 1,510,140 alleles (3.7%); highest among the groups gnomAD compares: South Asian, 7.3%; 1,207 homozygotes.

Submissions (2):

GeneDx
Classification: Likely benign. Last evaluated: 2018-06-16. Review status: criteria provided, single submitter. Criteria: GeneDx Variant Classification (06012015). Collection method: clinical testing. Allele origin: germline. Affected: yes.
Comment: This variant is considered likely benign or benign based on one or more of the following criteria: it is a conservative change, it occurs at a poorly conserved position in the protein, it is predicted to be benign by multiple in silico algorithms, and/or has population frequency not consistent with disease.

Breakthrough Genomics
Classification: Likely benign. Review status: criteria provided, single submitter. Criteria: ACMG Guidelines, 2015. Collection method: not provided. Allele origin: germline. Inheritance: Autosomal recessive inheritance. Affected: yes.

NM_001292063.2(OTOG):c.6124-73G>T

Gene: OTOG (otogelin; plus strand). Cytogenetic location: 11p15.1.
Variant type: single nucleotide variant.
Coding change: c.6124-73G>T on transcript NM_001292063.2 (MANE Select); 73 bases into the intron before coding-DNA position 6124, G replaced by T.
Molecular consequence: intron variant.
Genome position (GRCh38, 1-based): chr11:17,612,089, G>T. VCF-style: chr11-17612089-G-T. GRCh37 (hg19) VCF-style: chr11-17633636-G-T.
Other names: c.6160-73G>T (NM_001277269.2).
Identifiers: ClinVar variation 683033 (VCV000683033.2), dbSNP rs77217986, ClinGen allele CA13478915.